The following is an entry in ClinVar:

ClinVar aggregate classification (germline): Uncertain significance. Review status: criteria provided, multiple submitters, no conflicts (2 of 4 stars). 2 submissions from 2 submitters: Uncertain significance (2). Last evaluated 2025-10-15.

Conditions:
Inborn genetic diseases. Identifiers: MedGen C0950123, MeSH D030342.
Cognitive impairment - coarse facies - heart defects - obesity - pulmonary involvement - short stature - skeletal dysplasia syndrome. Also called: COGNITIVE IMPAIRMENT, COARSE FACIES, HEART DEFECTS, OBESITY, PULMONARY INVOLVEMENT, SHORT STATURE, AND SKELETAL DYSPLASIA; Chops syndrome; AFF4-Related CHOPS Syndrome. Identifiers: Orphanet 444077, MedGen C4085597, MONDO:0014609, OMIM 616368.

Allele frequency attached by ClinVar (database versions not stated): gnomAD 0.00001.

Submissions (2):

Ambry Genetics
Classification: Uncertain significance for Inborn genetic diseases. Last evaluated: 2025-10-15. Review status: criteria provided, single submitter. Criteria: Ambry Variant Classification Scheme 2023. Collection method: clinical testing. Allele origin: germline.

Labcorp Genetics (formerly Invitae), Labcorp
Classification: Uncertain significance for Cognitive impairment - coarse facies - heart defects - obesity - pulmonary involvement - short stature - skeletal dysplasia syndrome. Last evaluated: 2023-02-16. Review status: criteria provided, single submitter. Criteria: Invitae Variant Classification Sherloc (09022015). Collection method: clinical testing. Allele origin: germline.
Comment: In summary, the available evidence is currently insufficient to determine the role of this variant in disease. Therefore, it has been classified as a Variant of Uncertain Significance. Advanced modeling of protein sequence and biophysical properties (such as structural, functional, and spatial information, amino acid conservation, physicochemical variation, residue mobility, and thermodynamic stability) performed at Invitae indicates that this missense variant is not expected to disrupt AFF4 protein function. This variant has not been reported in the literature in individuals affected with AFF4-related conditions. This variant is present in population databases (no rsID available, gnomAD 0.007%). This sequence change replaces proline, which is neutral and non-polar, with leucine, which is neutral and non-polar, at codon 708 of the AFF4 protein (p.Pro708Leu).

NM_014423.4(AFF4):c.2123C>T (p.Pro708Leu)

Gene: AFF4 (ALF transcription elongation factor 4; minus strand). Cytogenetic location: 5q31.1.
Variant type: single nucleotide variant.
Coding change: c.2123C>T on transcript NM_014423.4 (MANE Select); coding-DNA position 2123, C replaced by T.
Protein change: p.Pro708Leu; replaces proline 708 with leucine.
Molecular consequence: missense variant.
Genome position (GRCh38, 1-based): chr5:132,896,507, G>A on the plus strand (C>T on the coding strand, the complement: AFF4 is on the minus strand). VCF-style: chr5-132896507-G-A. GRCh37 (hg19) VCF-style: chr5-132232199-G-A.
Other names: c.2123C>T (NM_014423.3); short protein forms P708L.
Identifiers: ClinVar variation 2837967 (VCV002837967.4), dbSNP rs1301514870, ClinGen allele CA360934102.